The following is an entry in ClinVar:

NM_002692.4(POLE2):c.1267del (p.Met423fs)

Gene: POLE2 (DNA polymerase epsilon 2, accessory subunit; minus strand). Cytogenetic location: 14q21.3.
Variant type: Deletion.
Coding change: c.1267del on transcript NM_002692.4 (MANE Select); coding-DNA position 1267, one base deleted (A; older notation c.1267delA).
Protein change: p.Met423fs; shifts the reading frame from methionine 423.
Molecular consequence: frameshift variant.
Genome position (GRCh38, 1-based): chr14:49,651,322, T deleted on the plus strand (A on the coding strand, the reverse complement: POLE2 is on the minus strand); the first of 4 consecutive T bases (chr14:49,651,322-49,651,325); deleting any one gives the same sequence. VCF-style (leftmost placement, unchanged base first): chr14-49651321-AT-A. GRCh37 (hg19) VCF-style: chr14-50118039-AT-A.
Other names: c.1189del, p.Met397fs (NM_001197330.2); c.1267del, p.Met423fs (NM_001197331.3); c.1264del, p.Met422fs (NM_001348384.2); c.1036del, p.Met346fs (NM_001348385.2); short protein forms M346fs, M422fs, M397fs, M423fs.
Identifiers: ClinVar variation 2108175 (VCV002108175.4), dbSNP rs2502812980, ClinGen allele CA2580088138.

ClinVar aggregate classification (germline): Uncertain significance (1 of 4 stars; one submission).

Submission:

Labcorp Genetics (formerly Invitae), Labcorp
Classification: Uncertain significance. Last evaluated: 2022-03-20. Review status: criteria provided, single submitter. Criteria: Invitae Variant Classification Sherloc (09022015). Collection method: clinical testing. Allele origin: germline.
Comment: This sequence change creates a premature translational stop signal (p.Met423Cysfs*20) in the POLE2 gene. It is expected to result in an absent or disrupted protein product. However, the current clinical and genetic evidence is not sufficient to establish whether loss-of-function variants in POLE2 cause disease. This variant is not present in population databases (gnomAD no frequency). This variant has not been reported in the literature in individuals affected with POLE2-related conditions. In summary, the available evidence is currently insufficient to determine the role of this variant in disease. Therefore, it has been classified as a Variant of Uncertain Significance.